The following is an entry in ClinVar:

ClinVar aggregate classification (germline): Uncertain significance. Review status: criteria provided, multiple submitters, no conflicts (2 of 4 stars). 4 submissions from 4 submitters: Uncertain significance (3). 1 of the submissions does not count toward it. Last evaluated 2025-11-25.

Conditions:
Hereditary cancer-predisposing syndrome. Also called: Hereditary neoplastic syndrome; Neoplastic Syndromes, Hereditary; Tumor predisposition; Hereditary Cancer Syndrome. Identifiers: Orphanet 140162, MedGen C0027672, MeSH D009386, MONDO:0015356.
Ataxia-telangiectasia syndrome (AT). Also called: LOUIS-BAR SYNDROME; Cerebello-oculocutaneous telangiectasia; Immunodeficiency with ataxia telangiectasia; AT, COMPLEMENTATION GROUP C; Ataxia-telangiectasia, complementation group D; ATAXIA-TELANGIECTASIA, COMPLEMENTATION GROUP A. Identifiers: Orphanet 100, MedGen C0004135, MONDO:0008840, OMIM 208900.

Allele frequency attached by ClinVar (database versions not stated): gnomAD exomes below 0.00001; TOPMed below 0.00001; ExAC 0.00001; gnomAD 0.00001.
gnomAD v4.1: 2 of 1,613,684 alleles (0.00012%); highest among the groups gnomAD compares: Middle Eastern, 0.017%; no homozygotes.

Submissions (4):

Ambry Genetics
Classification: Uncertain significance for Hereditary cancer-predisposing syndrome. Last evaluated: 2025-11-25. Review status: criteria provided, single submitter. Criteria: Ambry Variant Classification Scheme 2023. Collection method: clinical testing. Allele origin: germline.
Comment: The p.A1119V variant (also known as c.3356C>T), located in coding exon 22 of the ATM gene, results from a C to T substitution at nucleotide position 3356. The alanine at codon 1119 is replaced by valine, an amino acid with similar properties. In an assay testing ATM function, this variant showed a functionally abnormal result (Lee KS et al. Cell, 2025 Sep;188:5081-5099.e27). This amino acid position is well conserved in available vertebrate species. In addition, the in silico prediction for this alteration is inconclusive. Based on the available evidence, the clinical significance of this variant remains unclear.

Labcorp Genetics (formerly Invitae), Labcorp
Classification: Uncertain significance for Ataxia-telangiectasia syndrome. Last evaluated: 2024-11-24. Review status: criteria provided, single submitter. Criteria: Invitae Variant Classification Sherloc (09022015). Collection method: clinical testing. Allele origin: germline.
Comment: This sequence change replaces alanine, which is neutral and non-polar, with valine, which is neutral and non-polar, at codon 1119 of the ATM protein (p.Ala1119Val). This variant is present in population databases (rs778882461, gnomAD 0.0009%). This missense change has been observed in individual(s) with breast cancer (PMID: 35886069). ClinVar contains an entry for this variant (Variation ID: 482639). Invitae Evidence Modeling of protein sequence and biophysical properties (such as structural, functional, and spatial information, amino acid conservation, physicochemical variation, residue mobility, and thermodynamic stability) indicates that this missense variant is not expected to disrupt ATM protein function with a negative predictive value of 95%. In summary, the available evidence is currently insufficient to determine the role of this variant in disease. Therefore, it has been classified as a Variant of Uncertain Significance.

GeneDx
Classification: Uncertain significance. Last evaluated: 2019-04-12. Review status: criteria provided, single submitter. Criteria: GeneDx Variant Classification Process June 2021. Collection method: clinical testing. Allele origin: germline. Affected: yes.
Comment: Not observed at a significant frequency in large population cohorts (Lek et al., 2016); This variant is associated with the following publications: (PMID: 28652578)

Natera, Inc.
Classification: Uncertain significance for Ataxia-telangiectasia. Last evaluated: 2020-09-16. Review status: no assertion criteria provided. Collection method: clinical testing. Allele origin: germline. Not counted in ClinVar's aggregate classification.

Literature cited by the submitters: PubMed 35886069 (cited by Labcorp Genetics (formerly Invitae), Labcorp).

NM_000051.4(ATM):c.3356C>T (p.Ala1119Val)

Gene: ATM (ATM serine/threonine kinase; plus strand). Cytogenetic location: 11q22.3.
Variant type: single nucleotide variant.
Coding change: c.3356C>T on transcript NM_000051.4 (MANE Select); coding-DNA position 3356, C replaced by T.
Protein change: p.Ala1119Val; replaces alanine 1119 with valine.
Molecular consequence: missense variant.
Genome position (GRCh38, 1-based): chr11:108,279,562, C>T. VCF-style: chr11-108279562-C-T. GRCh37 (hg19) VCF-style: chr11-108150289-C-T.
Other names: c.3356C>T, p.Ala1119Val (NM_001351834.2); short protein forms A1119V.
Identifiers: ClinVar variation 482639 (VCV000482639.17), dbSNP rs778882461, ClinGen allele CA6265268.